The following is an entry in ClinVar:

ClinVar aggregate classification (germline): Uncertain significance (1 of 4 stars; one submission).

Submission:

Ambry Genetics
Classification: Uncertain significance. Last evaluated: 2025-07-05. Review status: criteria provided, single submitter. Criteria: Ambry Variant Classification Scheme 2023. Collection method: clinical testing. Allele origin: germline.
Comment: The p.A106T variant (also known as c.316G>A), located in coding exon 1 of the MLH3 gene, results from a G to A substitution at nucleotide position 316. The alanine at codon 106 is replaced by threonine, an amino acid with similar properties. This amino acid position is conserved. In addition, the in silico prediction for this alteration is inconclusive. Since supporting evidence is limited at this time, the clinical significance of this alteration remains unclear.

NM_001040108.2(MLH3):c.316G>A (p.Ala106Thr)

Gene: MLH3 (mutL homolog 3; minus strand). Cytogenetic location: 14q24.3.
Variant type: single nucleotide variant.
Coding change: c.316G>A on transcript NM_001040108.2 (MANE Select); coding-DNA position 316, G replaced by A.
Protein change: p.Ala106Thr; replaces alanine 106 with threonine.
Molecular consequence: missense variant.
Genome position (GRCh38, 1-based): chr14:75,049,340, C>T on the plus strand (G>A on the coding strand, the complement: MLH3 is on the minus strand). VCF-style: chr14-75049340-C-T. GRCh37 (hg19) VCF-style: chr14-75516043-C-T.
Other names: c.316G>A, p.Ala106Thr (NM_014381.3); short protein forms A106T.
Identifiers: ClinVar variation 2563563 (VCV002563563.3), dbSNP rs2139608271, ClinGen allele CA390451001.
Genomic context (GRCh38, chr14:75,049,340, plus strand): 5'-TCTGAAACAGTTTCACAAAAGTTTTCATTGTCCTGTTTTTCTTGGACGAAATTTCCACAG[C>T]ACTGGCCATGTCAGCAATATTTGCCAAGGCCTCTCCTCGGAAACCATAAAACCTTGGATT-3'
Protein context (NP_001035197.1, residues 96-116): ALANIADMAS[Ala106Thr]VEISSKKNRT